The following is an entry in ClinVar:

ClinVar aggregate classification (germline): Uncertain significance (1 of 4 stars; one submission).

Conditions:
Glycogen storage disease type III (GSD3). Also called: Cori disease; FORBES DISEASE. Identifiers: Orphanet 366, MedGen C0017922, MONDO:0009291, OMIM 232400.

Submission:

Labcorp Genetics (formerly Invitae), Labcorp
Classification: Uncertain significance for Glycogen storage disease type III. Last evaluated: 2022-01-17. Review status: criteria provided, single submitter. Criteria: Invitae Variant Classification Sherloc (09022015). Collection method: clinical testing. Allele origin: germline.
Comment: In summary, the available evidence is currently insufficient to determine the role of this variant in disease. Therefore, it has been classified as a Variant of Uncertain Significance. Algorithms developed to predict the effect of missense changes on protein structure and function are either unavailable or do not agree on the potential impact of this missense change (SIFT: "Deleterious"; PolyPhen-2: "Probably Damaging"; Align-GVGD: "Class C0"). This variant has not been reported in the literature in individuals affected with AGL-related conditions. This variant is not present in population databases (gnomAD no frequency). This sequence change replaces cysteine, which is neutral and slightly polar, with phenylalanine, which is neutral and non-polar, at codon 1511 of the AGL protein (p.Cys1511Phe).

NM_000642.3(AGL):c.4532G>T (p.Cys1511Phe)

Gene: AGL (amylo-alpha-1,6-glucosidase and 4-alpha-glucanotransferase; plus strand). Cytogenetic location: 1p21.2.
Variant type: single nucleotide variant.
Coding change: c.4532G>T on transcript NM_000642.3 (MANE Select); coding-DNA position 4532, G replaced by T.
Protein change: p.Cys1511Phe; replaces cysteine 1511 with phenylalanine.
Molecular consequence: missense variant.
Genome position (GRCh38, 1-based): chr1:99,921,584, G>T. VCF-style: chr1-99921584-G-T. GRCh37 (hg19) VCF-style: chr1-100387140-G-T.
Other names: c.4532G>T, p.Cys1511Phe (NM_000028.3, NM_000643.3, NM_000644.3 and 1 more transcripts); c.4484G>T, p.Cys1495Phe (NM_000646.3); c.4511G>T, p.Cys1504Phe (NM_001425326.1); c.4331G>T, p.Cys1444Phe (NM_001425327.1); c.4328G>T, p.Cys1443Phe (NM_001425328.1); c.4193G>T, p.Cys1398Phe (NM_001425329.1); c.4154G>T, p.Cys1385Phe (NM_001425332.1); short protein forms C1495F, C1511F, C1385F, C1398F, C1443F, C1444F, C1504F.
Identifiers: ClinVar variation 2087178 (VCV002087178.3), dbSNP rs2100901856, ClinGen allele CA341343615.